The following is an entry in ClinVar:

NM_025137.4(SPG11):c.744GCA[1] (p.Gln251del)

Gene: SPG11 (SPG11 vesicle trafficking associated, spatacsin; minus strand). Cytogenetic location: 15q21.1.
Variant type: Microsatellite.
Coding change: c.744GCA[1] on transcript NM_025137.4 (MANE Select); one copy of the 3-base unit GCA starting at c.744; the reference has two copies in a row; one copy, 3 bases deleted; also written c.747_749del.
Protein change: p.Gln251del; deletes glutamine 251.
Molecular consequence: inframe deletion.
Genome position (GRCh38, 1-based): chr15:44,657,215-44,657,217, TGC deleted on the plus strand (GCA on the coding strand, the reverse complement: SPG11 is on the minus strand); deleting any 3 consecutive bases within chr15:44,657,215-44,657,221 gives the same sequence; the position shown is the placement nearest the transcript's 3' end. VCF-style (leftmost placement, unchanged base first): chr15-44657214-TTGC-T. GRCh37 (hg19) VCF-style: chr15-44949412-TTGC-T.
Other names: c.747_749del (NM_025137.4); c.744GCA[1], p.Gln251del (NM_001160227.2, NM_001411132.1); short protein forms Q251del.
Identifiers: ClinVar variation 3775654 (VCV003775654.1).
Genomic context (GRCh38, chr15:44,657,214, plus strand): 5'-AACATCGAGGTCTTGAGAAACTTTCAGTGAAGTAAATGAAGAAATCTTGGCTGGCTCCTG[TTGC>T]TGCTCATTACACATGTCTTCTTTGTGAAGTGCTAAATCCACATGAGCTACATATGTACCA-3'

ClinVar aggregate classification (germline): Uncertain significance (1 of 4 stars; one submission).

Conditions:
Hereditary spastic paraplegia 11. Also called: Nakamura Osame syndrome; Autosomal recessive hereditary spastic paraplegia, mental impairment, and thin corpus callosum; SPASTIC PARAPLEGIA, AUTOSOMAL RECESSIVE, COMPLICATED, WITH THIN CORPUS CALLOSUM; SPASTIC PARAPLEGIA, AUTOSOMAL RECESSIVE, WITH MENTAL IMPAIRMENT AND THIN CORPUS CALLOSUM; Spastic Paraplegia 11; Spastic paraplegia, mental retardation and thin corpus callosum. Identifiers: Orphanet 2822, MedGen C1858479, MONDO:0011445, OMIM 604360.

Submission:

3billion
Classification: Uncertain significance for Hereditary spastic paraplegia 11. Last evaluated: 2024-01-19. Review status: criteria provided, single submitter. Criteria: ACMG Guidelines, 2015. Collection method: clinical testing. Allele origin: germline. Affected: yes.
Comment: The variant is not observed in the gnomAD v2.1.1 dataset. Predicted Consequence/Location: Inframe deletion located in a nonrepeat region: predicted to change the length of the protein and disrupt normal protein function. Therefore, this variant is classified as VUS according to the recommendation of ACMG/AMP guideline.